The following is an entry in ClinVar:

NM_144596.4(TTC8):c.88A>G (p.Met30Val)

Gene: TTC8 (tetratricopeptide repeat domain 8; plus strand). Cytogenetic location: 14q31.3.
Variant type: single nucleotide variant.
Coding change: c.88A>G on transcript NM_144596.4 (MANE Select); coding-DNA position 88, A replaced by G.
Protein change: p.Met30Val; replaces methionine 30 with valine.
Molecular consequence: missense variant. On other transcripts: 5 prime UTR variant (2), non-coding transcript variant (1).
Genome position (GRCh38, 1-based): chr14:88,824,795, A>G. VCF-style: chr14-88824795-A-G. GRCh37 (hg19) VCF-style: chr14-89291139-A-G.
Other names: c.88A>G, p.Met30Val (NM_001288781.1, NM_001366535.2, NM_001366536.2 and 2 more transcripts); c.-475A>G (NM_001288782.1); c.-570A>G (NM_001288783.1); short protein forms M30V.
Identifiers: ClinVar variation 3353950 (VCV003353950.2).

ClinVar aggregate classification (germline): Uncertain significance. Review status: criteria provided, single submitter (1 of 4 stars). 2 submissions from 2 submitters: Uncertain significance (1). 1 of the submissions does not count toward it. Last evaluated 2024-04-22.

Conditions:
Bardet-Biedl syndrome 8 (BBS8). Identifiers: Orphanet 110, MedGen C1859566, MONDO:0014436, OMIM 615985.
Retinitis pigmentosa 51 (RP51). Identifiers: Orphanet 791, MedGen C3150715, MONDO:0013274, OMIM 613464.
TTC8-related disorder. Also called: TTC8-related condition.

gnomAD v4.1: 32 of 1,613,496 alleles (0.002%); highest among the groups gnomAD compares: Non-Finnish European, 0.0024%; no homozygotes.

Submissions (2):

Fulgent Genetics
Classification: Uncertain significance for Retinitis pigmentosa 51; Bardet-Biedl syndrome 8. Last evaluated: 2024-04-22. Review status: criteria provided, single submitter. Criteria: ACMG Guidelines, 2015. Collection method: clinical testing. Allele origin: germline.

PreventionGenetics, part of Exact Sciences
Classification: Uncertain significance for TTC8-related condition. Last evaluated: 2024-03-21. Review status: no assertion criteria provided. Collection method: clinical testing. Allele origin: germline. Not counted in ClinVar's aggregate classification.
Comment: The TTC8 c.88A>G variant is predicted to result in the amino acid substitution p.Met30Val. To our knowledge, this variant has not been reported in the literature or in a large population database, indicating this variant is rare. At this time, the clinical significance of this variant is uncertain due to the absence of conclusive functional and genetic evidence.